The following is an entry in ClinVar:

ClinVar aggregate classification (germline): Likely pathogenic (1 of 4 stars; one submission).

Submission:

CeGaT Center for Human Genetics Tuebingen
Classification: Likely pathogenic. Last evaluated: 2023-08-01. Review status: criteria provided, single submitter. Criteria: CeGaT Center For Human Genetics Tuebingen Variant Classification Criteria Version 2. Collection method: clinical testing. Allele origin: germline. Affected: yes. Observed: 2 variant alleles.
Comment: BGN: PVS1:Strong, PM2

NM_001711.6(BGN):c.461del (p.Pro154fs)

Gene: BGN (biglycan; plus strand). Cytogenetic location: Xq28.
Variant type: Deletion.
Coding change: c.461del on transcript NM_001711.6 (MANE Select); coding-DNA position 461, one base deleted (C; older notation c.461delC).
Protein change: p.Pro154fs; shifts the reading frame from proline 154.
Molecular consequence: frameshift variant.
Genome position (GRCh38, 1-based): chrX:153,505,972, C deleted; the last of 3 consecutive C bases (chrX:153,505,970-153,505,972); deleting any one gives the same sequence. VCF-style (leftmost placement, unchanged base first): chrX-153505969-TC-T. GRCh37 (hg19) VCF-style: chrX-152771427-TC-T.
Other names: short protein forms P154fs.
Identifiers: ClinVar variation 2579108 (VCV002579108.25), dbSNP rs2521213722, ClinGen allele CA2580617849.